The following is an entry in ClinVar:

NC_012920.1(MT-ND4):m.10899A>G

Gene: MT-ND4 (mitochondrially encoded NADH dehydrogenase 4; plus strand).
Variant type: single nucleotide variant.
Genome position: chrM-10899-A-G.
Identifiers: ClinVar variation 693323 (VCV000693323.1), dbSNP rs1603223010, ClinGen allele CA414807426.
Genomic context (GRCh38, chrMT:10,899, plus strand): 5'-CAACCACCCACAGCCTAATTATTAGCATCATCCCTCTACTATTTTTTAACCAAATCAACA[A>G]CAACCTATTTAGCTGTTCCCCAACCTTTTCCTCCGACCCCCTAACAACCCCCCTCCTAAT-3'

ClinVar aggregate classification (germline): Benign (1 of 4 stars; one submission).

Conditions:
Leigh syndrome (NULS). Also called: Leigh's necrotizing encephalopathy; Leigh's disease; Leigh Syndrome (mtDNA deletion); Leigh Disease; Subacute necrotizing encephalopathy; Necrotizing encephalopathy infantile subacute of Leigh. Identifiers: Orphanet 506, MedGen C2931891, MONDO:0009723, OMIM 256000.

Submission:

Wong Mito Lab, Molecular and Human Genetics, Baylor College of Medicine
Classification: Benign for Leigh syndrome. Last evaluated: 2019-10-17. Review status: criteria provided, single submitter. Criteria: Modified ACMG Guidelines (Unpublished). Collection method: clinical testing. Allele origin: germline.
Comment: The NC_012920.1:m.10899A>G (YP_003024035.1:p.Asn47Ser) variant in MTND4 gene is interpretated to be a Benign variant based on the modified ACMG guidelines (unpublished). This variant meets the following evidence codes: BS1, BS2, BP4